The following is an entry in ClinVar:

NM_170606.3(KMT2C):c.5409_5413dup (p.Gly1805fs)

Gene: KMT2C (lysine methyltransferase 2C; minus strand). Cytogenetic location: 7q36.1.
Variant type: Duplication.
Coding change: c.5409_5413dup on transcript NM_170606.3 (MANE Select); coding-DNA positions 5409 to 5413, 5 bases duplicated (TAGTG; older notation c.5409_5413dupTAGTG).
Protein change: p.Gly1805fs; shifts the reading frame from glycine 1805.
Molecular consequence: frameshift variant.
Genome position (GRCh38, 1-based): chr7:152,182,447-152,182,451, CACTA duplicated on the plus strand (TAGTG on the coding strand, the reverse complement: KMT2C is on the minus strand); duplicating any 5 consecutive bases within chr7:152,182,447-152,182,452 gives the same sequence; the c. name uses the placement nearest the transcript's 3' end. VCF-style (leftmost placement, unchanged base first): chr7-152182446-C-CCACTA. GRCh37 (hg19) VCF-style: chr7-151879531-C-CCACTA.
Other names: short protein forms G1805fs.
Identifiers: ClinVar variation 280488 (VCV000280488.2), dbSNP rs886041682, ClinGen allele CA10603024.

ClinVar aggregate classification (germline): Pathogenic (1 of 4 stars; one submission).

Submission:

GeneDx
Classification: Pathogenic. Last evaluated: 2016-04-07. Review status: criteria provided, single submitter. Criteria: GeneDx Variant Classification (06012015). Collection method: clinical testing. Allele origin: germline. Affected: yes.
Comment: The c.5409_5413dupTAGTG pathogenic variant in the KMT2C gene has not been reported previously as a pathogenic variant nor as a benign variant, to our knowledge. The c.5409_5413dupTAGTG variant causes a frameshift starting with codon Glycine 1805, changes this amino acid to a Valine residue, and creates a premature Stop codon at position 8 of the new reading frame, denoted p.Gly1805ValfsX8. This variant is predicted to cause loss of normal protein function either through protein truncation or nonsense-mediated mRNA decay. The c.5409_5413dupTAGTG variant was not observed in approximately 6,500 individuals of European and African American ancestry in the NHLBI Exome Sequencing Project, indicating it is not a common benign variant in these populations. We interpret c.5409_5413dupTAGTG as a pathogenic variant.